The following is an entry in ClinVar:

NM_002734.5(PRKAR1A):c.571G>T (p.Ala191Ser)

Gene: PRKAR1A (protein kinase cAMP-dependent type I regulatory subunit alpha; plus strand). Cytogenetic location: 17q24.2.
Variant type: single nucleotide variant.
Coding change: c.571G>T on transcript NM_002734.5 (MANE Select); coding-DNA position 571, G replaced by T.
Protein change: p.Ala191Ser; replaces alanine 191 with serine.
Molecular consequence: missense variant.
Genome position (GRCh38, 1-based): chr17:68,525,775, G>T. VCF-style: chr17-68525775-G-T. GRCh37 (hg19) VCF-style: chr17-66521916-G-T.
Other names: c.571G>T, p.Ala191Ser (NM_212471.3, NM_212472.2, NM_001276289.2 and 4 more transcripts); short protein forms A191S.
Identifiers: ClinVar variation 4841386 (VCV004841386.1).

ClinVar aggregate classification (germline): Uncertain significance (1 of 4 stars; one submission).

Conditions:
Hereditary cancer-predisposing syndrome. Also called: Neoplastic Syndromes, Hereditary; Tumor predisposition; Hereditary Cancer Syndrome; Hereditary neoplastic syndrome. Identifiers: Orphanet 140162, MedGen C0027672, MeSH D009386, MONDO:0015356.

Submission:

Ambry Genetics
Classification: Uncertain significance for Hereditary cancer-predisposing syndrome. Last evaluated: 2025-12-15. Review status: criteria provided, single submitter. Criteria: Ambry Variant Classification Scheme 2023. Collection method: clinical testing. Allele origin: germline.
Comment: The p.A191S variant (also known as c.571G>T), located in coding exon 6 of the PRKAR1A gene, results from a G to T substitution at nucleotide position 571. The alanine at codon 191 is replaced by serine, an amino acid with similar properties. This amino acid position is conserved. In addition, the in silico prediction for this alteration is inconclusive. Based on the available evidence, the clinical significance of this variant remains unclear.